The following is an entry in ClinVar:

ClinVar aggregate classification (germline): Benign. Review status: criteria provided, multiple submitters, no conflicts (2 of 4 stars). 12 submissions from 11 submitters: Benign (9). 3 of the submissions do not count toward it. Last evaluated 2026-02-04.

Conditions:
Seckel syndrome 4 (SCKL4). Identifiers: Orphanet 808, MedGen C3888212, MONDO:0013358, OMIM 613676.
Seckel syndrome 1 (SCKL1). Also called: MICROCEPHALIC PRIMORDIAL DWARFISM I. Identifiers: Orphanet 808, MedGen C4551474, MONDO:0008869, OMIM 210600.
Microcephaly 6, primary, autosomal recessive. Identifiers: Orphanet 2512, MedGen C1842109, MONDO:0012029, OMIM 608393.

Allele frequency attached by ClinVar (database versions not stated): 1000 Genomes Project 0.15515; ESP Exome Variant Server 0.12179; TOPMed 0.13674; 1000 Genomes Project 30x 0.15303.
gnomAD v4.1: 231,677 of 1,613,936 alleles (14%); highest among the groups gnomAD compares: East Asian, 28%; 17,819 homozygotes.

Submissions (18):

Labcorp Genetics (formerly Invitae), Labcorp
Classification: Benign. Last evaluated: 2026-02-04. Review status: criteria provided, single submitter. Criteria: Invitae Variant Classification Sherloc (09022015). Collection method: clinical testing. Allele origin: germline.

Blueprint Genetics
Classification: Benign. Last evaluated: 2024-11-27. Review status: criteria provided, single submitter. Criteria: ACMG Guidelines, 2015. Collection method: clinical testing. Allele origin: germline.

Mendelics
Classification: Benign for Seckel syndrome 1. Last evaluated: 2019-05-28. Review status: criteria provided, single submitter. Criteria: Mendelics Assertion Criteria 2017. Collection method: clinical testing. Allele origin: unknown.

Illumina Laboratory Services, Illumina
Classification: Benign for Microcephaly 6, primary, autosomal recessive. Last evaluated: 2018-01-12. Review status: criteria provided, single submitter. Criteria: ICSL Variant Classification Criteria 13 December 2019. Collection method: clinical testing. Allele origin: germline.
Comment: This variant was observed in the ICSL laboratory as part of a predisposition screen in an ostensibly healthy population. It had not been previously curated by ICSL or reported in the Human Gene Mutation Database (HGMD: prior to June 1st, 2018), and was therefore a candidate for classification through an automated scoring system. Utilizing variant allele frequency, disease prevalence and penetrance estimates, and inheritance mode, an automated score was calculated to assess if this variant is too frequent to cause the disease. Based on the score and internal cut-off values, a variant classified as benign is not then subjected to further curation. The score for this variant resulted in a classification of benign for this disease.

Illumina Laboratory Services, Illumina
Classification: Benign for Seckel syndrome 4. Last evaluated: 2018-01-12. Review status: criteria provided, single submitter. Criteria: ICSL Variant Classification Criteria 13 December 2019. Collection method: clinical testing. Allele origin: germline.
Comment: the same text as in the submission from Illumina Laboratory Services, Illumina above.

GeneDx
Classification: Benign. Last evaluated: 2013-12-18. Review status: criteria provided, single submitter. Criteria: GeneDx Variant Classification (06012015). Collection method: clinical testing. Allele origin: germline. Affected: yes.
Comment: This variant is considered likely benign or benign based on one or more of the following criteria: it is a conservative change, it occurs at a poorly conserved position in the protein, it is predicted to be benign by multiple in silico algorithms, and/or has population frequency not consistent with disease.

Eurofins Ntd Llc (ga)
Classification: Benign. Last evaluated: 2013-07-03. Review status: criteria provided, single submitter. Criteria: EGL Classification Definitions 2015. Collection method: clinical testing. Allele origin: germline. Observed: 2 variant alleles, 2 heterozygotes.

Genetic Services Laboratory, University of Chicago
Classification: Benign. Last evaluated: 2013-02-08. Review status: criteria provided, single submitter. Criteria: ACMG Guidelines, 2007. Collection method: clinical testing. Allele origin: germline. Inheritance: Autosomal recessive inheritance.

Breakthrough Genomics
Classification: Benign. Review status: criteria provided, single submitter. Criteria: ACMG Guidelines, 2015. Collection method: not provided. Allele origin: germline. Inheritance: Autosomal recessive inheritance. Affected: yes.

Clinical Genetics DNA and cytogenetics Diagnostics Lab, Erasmus MC, Erasmus Medical Center
Classification: Benign. Review status: no assertion criteria provided. Collection method: clinical testing. Allele origin: germline. Affected: yes. Study: VKGL Data-share Consensus. Not counted in ClinVar's aggregate classification.

Dr. Peter K. Rogan Lab, Western University
No classification provided (evidence only). Condition: Malignant lymphoma, large B-cell, diffuse. Review status: no classification provided. Collection method: in vitro. Allele origin: not applicable. Functional consequence: retained intron. Not counted in ClinVar's aggregate classification.

Dr. Peter K. Rogan Lab, Western University
No classification provided (evidence only). Condition: Cholangiocarcinoma. Review status: no classification provided. Collection method: in vitro. Allele origin: not applicable. Functional consequence: retained intron. Not counted in ClinVar's aggregate classification.

Dr. Peter K. Rogan Lab, Western University
No classification provided (evidence only). Condition: Cholangiocarcinoma. Review status: no classification provided. Collection method: in vitro. Allele origin: not applicable. Functional consequence: retained intron. Not counted in ClinVar's aggregate classification.

Dr. Peter K. Rogan Lab, Western University
No classification provided (evidence only). Condition: Uterine carcinosarcoma. Review status: no classification provided. Collection method: in vitro. Allele origin: not applicable. Functional consequence: retained intron. Not counted in ClinVar's aggregate classification.

Dr. Peter K. Rogan Lab, Western University
No classification provided (evidence only). Condition: Uveal melanoma. Review status: no classification provided. Collection method: in vitro. Allele origin: not applicable. Functional consequence: retained intron. Not counted in ClinVar's aggregate classification.

Dr. Peter K. Rogan Lab, Western University
No classification provided (evidence only). Condition: Uveal melanoma. Review status: no classification provided. Collection method: in vitro. Allele origin: not applicable. Functional consequence: retained intron. Not counted in ClinVar's aggregate classification.

GeneReviews
No classification provided. Condition: Microcephaly 6, primary, autosomal recessive. Review status: no classification provided. Collection method: literature only. Allele origin: unknown. Not counted in ClinVar's aggregate classification.

Joint Genome Diagnostic Labs from Nijmegen and Maastricht, Radboudumc and MUMC+
Classification: Benign. Review status: no assertion criteria provided. Collection method: clinical testing. Allele origin: germline. Affected: yes. Study: VKGL Data-share Consensus. Not counted in ClinVar's aggregate classification.

Literature cited by the submitters: PubMed 20301772 (cited by GeneReviews); NCBI Bookshelf NBK9587 (cited by GeneReviews).

NM_018451.5(CPAP):c.61A>G (p.Met21Val)

Gene: CPAP (centrosome assembly and centriole elongation protein; minus strand). Cytogenetic location: 13q12.13.
Variant type: single nucleotide variant.
Coding change: c.61A>G on transcript NM_018451.5 (MANE Select); coding-DNA position 61, A replaced by G.
Protein change: p.Met21Val; replaces methionine 21 with valine.
Molecular consequence: missense variant. On other transcripts: non-coding transcript variant (2).
Genome position (GRCh38, 1-based): chr13:24,912,965, T>C on the plus strand (A>G on the coding strand, the complement: CPAP is on the minus strand). VCF-style: chr13-24912965-T-C. GRCh37 (hg19) VCF-style: chr13-25487103-T-C.
Other names: p.M21V:ATG>GTG; short protein forms M21V.
Identifiers: ClinVar variation 21666 (VCV000021666.29), dbSNP rs35498994, ClinGen allele CA149026.